The following is an entry in ClinVar:

ClinVar aggregate classification (germline): Likely benign. Review status: criteria provided, multiple submitters, no conflicts (2 of 4 stars). 2 submissions from 2 submitters: Likely benign (2). Last evaluated 2018-05-22.

Conditions:
Loeys-Dietz syndrome 2 (LDS2). Also called: TGFBR2-Related Loeys-Dietz Syndrome; AORTIC ANEURYSM, FAMILIAL THORACIC 3; MARFAN SYNDROME, TYPE II; Marfan Syndrome type 2; Marfan like connective tissue disorder; MFS 2. Identifiers: Orphanet 284973, Orphanet 558, MedGen C2674574, MONDO:0012427, OMIM 610168.

Allele frequency attached by ClinVar (database versions not stated): gnomAD exomes 0.00165; 1000 Genomes Project 0.00260; 1000 Genomes Project 30x 0.00265; gnomAD 0.00402 and 0.00421; TOPMed 0.00467.
gnomAD v4.1: 748 of 233,684 alleles (0.32%); highest among the groups gnomAD compares: African/African-American, 1.2%; 3 homozygotes.

Submissions (2):

Illumina Laboratory Services, Illumina
Classification: Likely benign for Loeys-Dietz syndrome 2. Last evaluated: 2018-05-22. Review status: criteria provided, single submitter. Criteria: ICSL Variant Classification Criteria 13 December 2019. Collection method: clinical testing. Allele origin: germline.
Comment: This variant was observed as part of a predisposition screen in an ostensibly healthy population. A literature search was performed for the gene, cDNA change, and amino acid change (where applicable). No publications were found based on this search. Allele frequency data from public databases allowed determination this variant is unlikely to cause disease. Therefore, this variant is classified as likely benign.

Breakthrough Genomics
Classification: Likely benign. Review status: criteria provided, single submitter. Criteria: ACMG Guidelines, 2015. Collection method: not provided. Allele origin: germline. Inheritance: Autosomal dominant inheritance. Affected: yes.

NM_003242.6(TGFBR2):c.*1815C>T

Gene: TGFBR2 (transforming growth factor beta receptor 2; plus strand). Cytogenetic location: 3p24.1.
Variant type: single nucleotide variant.
Coding change: c.*1815C>T on transcript NM_003242.6 (MANE Select); 1815 bases downstream of the stop codon, C replaced by T.
Molecular consequence: 3 prime UTR variant.
Genome position (GRCh38, 1-based): chr3:30,693,414, C>T. VCF-style: chr3-30693414-C-T. GRCh37 (hg19) VCF-style: chr3-30734906-C-T.
Other names: c.*1815C>T (NM_001024847.3, NM_001407126.1, NM_001407127.1 and 11 more transcripts).
Identifiers: ClinVar variation 344702 (VCV000344702.8), dbSNP rs146296952, ClinGen allele CA10616084.